The following is an entry in ClinVar:

ClinVar aggregate classification (germline): Uncertain significance (1 of 4 stars; one submission).

Submission:

GeneDx
Classification: Uncertain significance. Last evaluated: 2022-08-28. Review status: criteria provided, single submitter. Criteria: GeneDx Variant Classification Process June 2021. Collection method: clinical testing. Allele origin: germline. Affected: yes.
Comment: Not observed at significant frequency in large population cohorts (gnomAD); In silico analysis supports that this missense variant has a deleterious effect on protein structure/function; Has not been previously published as pathogenic or benign to our knowledge; Variants in candidate genes are classified as variants of uncertain significance in accordance with ACMG guidelines (Richards et al., 2015)

NM_004521.3(KIF5B):c.755A>C (p.Lys252Thr)

Gene: KIF5B (kinesin family member 5B; minus strand). Cytogenetic location: 10p11.22.
Variant type: single nucleotide variant.
Coding change: c.755A>C on transcript NM_004521.3 (MANE Select); coding-DNA position 755, A replaced by C.
Protein change: p.Lys252Thr; replaces lysine 252 with threonine.
Molecular consequence: missense variant.
Genome position (GRCh38, 1-based): chr10:32,035,951, T>G on the plus strand (A>C on the coding strand, the complement: KIF5B is on the minus strand). VCF-style: chr10-32035951-T-G. GRCh37 (hg19) VCF-style: chr10-32324879-T-G.
Other names: short protein forms K252T.
Identifiers: ClinVar variation 3342614 (VCV003342614.1).